The following is an entry in ClinVar:

NM_000063.6(C2):c.275_276del (p.Pro92fs)

Gene: C2 (complement C2; plus strand). Cytogenetic location: 6p21.33.
Variant type: Deletion.
Coding change: c.275_276del on transcript NM_000063.6 (MANE Select); coding-DNA positions 275 to 276, 2 bases deleted (CT; older notation c.275_276delCT).
Protein change: p.Pro92fs; shifts the reading frame from proline 92.
Molecular consequence: frameshift variant. On other transcripts: genic upstream transcript variant (2), intron variant (1).
Genome position (GRCh38, 1-based): chr6:31,928,750-31,928,751, CT deleted. VCF-style (leftmost placement, unchanged base first): chr6-31928749-CCT-C. GRCh37 (hg19) VCF-style: chr6-31896526-CCT-C.
Other names: c.188_189del, p.Pro63fs (NM_001282458.2); c.275_276del, p.Pro92fs (NM_001282459.2); c.-63-4860_-63-4859del (NM_001282457.2); c.74-4860_74-4859del (NM_001178063.3); c.46+952_46+953del (NM_001145903.3); c.275_276del (NM_000063.5); short protein forms P92fs, P63fs.
Identifiers: ClinVar variation 2054147 (VCV002054147.5), dbSNP rs770780241, ClinGen allele CA3727334.
Genomic context (GRCh38, chr6:31,928,749, plus strand): 5'-TCCATCCAGTCCTATATTCCCCACCCACTTCCTCTCTCTCCAGCTGTGCGCTGTCCAGCC[CCT>C]GTCTCCTTTGAGAATGGCATTTATACCCCACGGCTGGGGTCCTATCCCGTGGGTGGCAAT-3'

ClinVar aggregate classification (germline): Pathogenic (1 of 4 stars; one submission).

Conditions:
Complement component 2 deficiency (C2D). Also called: C2 deficiency. Identifiers: MedGen C0398756, MONDO:0009006, OMIM 217000.

Allele frequency attached by ClinVar (database versions not stated): gnomAD 0.00001; ExAC 0.00002; gnomAD exomes 0.00002; TOPMed 0.00002.

Submission:

Labcorp Genetics (formerly Invitae), Labcorp
Classification: Pathogenic. Last evaluated: 2022-09-28. Review status: criteria provided, single submitter. Criteria: Invitae Variant Classification Sherloc (09022015). Collection method: clinical testing. Allele origin: germline.
Comment: For these reasons, this variant has been classified as Pathogenic. This variant has not been reported in the literature in individuals affected with C2-related conditions. This variant is present in population databases (rs770780241, gnomAD 0.003%). This sequence change creates a premature translational stop signal (p.Pro92Argfs*4) in the C2 gene. It is expected to result in an absent or disrupted protein product. Loss-of-function variants in C2 are known to be pathogenic (PMID: 1577763, 9616367).

Literature cited by the submitters: PubMed 1577763 (cited by Labcorp Genetics (formerly Invitae), Labcorp); PubMed 9616367 (cited by Labcorp Genetics (formerly Invitae), Labcorp).